The following is an entry in ClinVar:

ClinVar aggregate classification (germline): Uncertain significance (1 of 4 stars; one submission).

Conditions:
Noonan syndrome 11. Identifiers: MedGen C5193130, MONDO:0032786, OMIM 618499.

Submission:

MVZ Medizinische Genetik Mainz
Classification: Uncertain significance for Noonan syndrome 11. Last evaluated: 2024-11-26. Review status: criteria provided, single submitter. Criteria: UK Practice Guidelines For Variant Classification V4 01 2020. Collection method: clinical testing. Allele origin: germline. Inheritance: Autosomal dominant inheritance. Affected: yes. Observed: 1 variant allele.
Comment: ACMG Criteria: PM1,PM2_SUP,PP3

NM_001085049.3(MRAS):c.136A>T (p.Ile46Phe)

Gene: MRAS (muscle RAS oncogene homolog; plus strand). Cytogenetic location: 3q22.3.
Variant type: single nucleotide variant.
Coding change: c.136A>T on transcript NM_001085049.3 (MANE Select); coding-DNA position 136, A replaced by T.
Protein change: p.Ile46Phe; replaces isoleucine 46 with phenylalanine.
Molecular consequence: missense variant. On other transcripts: intron variant (3).
Genome position (GRCh38, 1-based): chr3:138,373,019, A>T. VCF-style: chr3-138373019-A-T. GRCh37 (hg19) VCF-style: chr3-138091861-A-T.
Other names: c.136A>T, p.Ile46Phe (NM_001252090.2, NM_012219.4); c.-35-24305A>T (NM_001252091.1); c.-36+24252A>T (NM_001252093.2); c.-36+23987A>T (NM_001252092.2); short protein forms I46F.
Identifiers: ClinVar variation 3392563 (VCV003392563.1).